The following is an entry in ClinVar:

ClinVar aggregate classification (germline): Uncertain significance (1 of 4 stars; one submission).

gnomAD v4.1: 1 of 1,613,184 alleles (0.000062%); highest among the groups gnomAD compares: Admixed American, 0.0017%; no homozygotes.

Submission:

Labcorp Genetics (formerly Invitae), Labcorp
Classification: Uncertain significance. Last evaluated: 2024-10-24. Review status: criteria provided, single submitter. Criteria: Invitae Variant Classification Sherloc (09022015). Collection method: clinical testing. Allele origin: germline.
Comment: This sequence change replaces alanine, which is neutral and non-polar, with serine, which is neutral and polar, at codon 1468 of the LAMB1 protein (p.Ala1468Ser). This variant is not present in population databases (gnomAD no frequency). This variant has not been reported in the literature in individuals affected with LAMB1-related conditions. An algorithm developed to predict the effect of missense changes on protein structure and function (PolyPhen-2) suggests that this variant is likely to be tolerated. In summary, the available evidence is currently insufficient to determine the role of this variant in disease. Therefore, it has been classified as a Variant of Uncertain Significance.

NM_002291.3(LAMB1):c.4402G>T (p.Ala1468Ser)

Gene: LAMB1 (laminin subunit beta 1; minus strand). Cytogenetic location: 7q31.1.
Variant type: single nucleotide variant.
Coding change: c.4402G>T on transcript NM_002291.3 (MANE Select); coding-DNA position 4402, G replaced by T.
Protein change: p.Ala1468Ser; replaces alanine 1468 with serine.
Molecular consequence: missense variant.
Genome position (GRCh38, 1-based): chr7:107,931,491, C>A on the plus strand (G>T on the coding strand, the complement: LAMB1 is on the minus strand). VCF-style: chr7-107931491-C-A. GRCh37 (hg19) VCF-style: chr7-107571936-C-A.
Other names: short protein forms A1468S.
Identifiers: ClinVar variation 3689775 (VCV003689775.2).
Genomic context (GRCh38, chr7:107,931,491, plus strand): 5'-CATTTGTCTTCAACAGAATGTCTTCAGCACTTTGTTTTGCCTCATCTGCCCTCAGTTTTG[C>A]TTCAGAGACCTAAATATGAAGAATAAATTACCCAGGGAAGACTTTCATTCTTTCTAAAGG-3'
Protein context (NP_002282.2, residues 1458-1478): VEQLSKMVSE[Ala1468Ser]KLRADEAKQS